The following is an entry in ClinVar:

NM_003944.4(SELENBP1):c.432C>T (p.Ser144=)

Gene: SELENBP1 (selenium binding protein 1; minus strand). Cytogenetic location: 1q21.3.
Variant type: single nucleotide variant.
Coding change: c.432C>T on transcript NM_003944.4 (MANE Select); coding-DNA position 432, C replaced by T.
Protein change: p.Ser144=; no amino-acid change (serine 144 retained).
Molecular consequence: synonymous variant.
Genome position (GRCh38, 1-based): chr1:151,368,248, G>A on the plus strand (C>T on the coding strand, the complement: SELENBP1 is on the minus strand). VCF-style: chr1-151368248-G-A. GRCh37 (hg19) VCF-style: chr1-151340724-G-A.
Other names: c.246C>T, p.Ser82= (NM_001258288.2); c.558C>T, p.Ser186= (NM_001258289.2).
Identifiers: ClinVar variation 3033421 (VCV003033421.2), dbSNP rs74397187, ClinGen allele CA1090344.

ClinVar aggregate classification (germline): Benign (0 of 4 stars; one submission).

Conditions:
SELENBP1-related disorder. Also called: SELENBP1-related condition.

Allele frequency attached by ClinVar (database versions not stated): ESP Exome Variant Server 0.00054; TOPMed 0.00068; 1000 Genomes Project 30x 0.00312; 1000 Genomes Project 0.00339; ExAC 0.00355.

Submission:

PreventionGenetics, part of Exact Sciences
Classification: Benign for SELENBP1-related condition. Last evaluated: 2019-06-13. Review status: no assertion criteria provided. Collection method: clinical testing. Allele origin: germline.
Comment: This variant is classified as benign based on ACMG/AMP sequence variant interpretation guidelines (Richards et al. 2015 PMID: 25741868, with internal and published modifications).